The following is an entry in ClinVar:

NM_000388.4(CASR):c.2941G>A (p.Glu981Lys)

Gene: CASR (calcium sensing receptor; plus strand). Cytogenetic location: 3q21.1.
Variant type: single nucleotide variant.
Coding change: c.2941G>A on transcript NM_000388.4 (MANE Select); coding-DNA position 2941, G replaced by A.
Protein change: p.Glu981Lys; replaces glutamic acid 981 with lysine.
Molecular consequence: missense variant.
Genome position (GRCh38, 1-based): chr3:122,284,895, G>A. VCF-style: chr3-122284895-G-A. GRCh37 (hg19) VCF-style: chr3-122003742-G-A.
Other names: c.2971G>A, p.Glu991Lys (NM_001178065.2); short protein forms E981K, E991K.
Identifiers: ClinVar variation 3231563 (VCV003231563.3), dbSNP rs2074949224, ClinGen allele CA354161106.

ClinVar aggregate classification (germline): Uncertain significance. Review status: criteria provided, multiple submitters, no conflicts (2 of 4 stars). 2 submissions from 2 submitters: Uncertain significance (2). Last evaluated 2024-05-19.

Conditions:
Familial hypocalciuric hypercalcemia (FHH). Also called: Familial benign hypercalcemia. Identifiers: Orphanet 405, MedGen C1809471, MONDO:0018458.
Autosomal dominant hypocalcemia 1 (HYPOC1). Also called: HYPOCALCEMIA, FAMILIAL. Identifiers: MedGen C3715128, MONDO:0011013, OMIM 601198.
Nephrolithiasis/nephrocalcinosis. Identifiers: MedGen CN580796.

Allele frequency attached by ClinVar (database versions not stated): gnomAD exomes below 0.00001.
gnomAD v4.1: 5 of 1,614,202 alleles (0.00031%); highest among the groups gnomAD compares: Non-Finnish European, 0.00034%; no homozygotes.

Submissions (2):

Labcorp Genetics (formerly Invitae), Labcorp
Classification: Uncertain significance for Familial hypocalciuric hypercalcemia; Autosomal dominant hypocalcemia 1. Last evaluated: 2024-05-19. Review status: criteria provided, single submitter. Criteria: Invitae Variant Classification Sherloc (09022015). Collection method: clinical testing. Allele origin: germline.
Comment: This sequence change replaces glutamic acid, which is acidic and polar, with lysine, which is basic and polar, at codon 981 of the CASR protein (p.Glu981Lys). This variant is not present in population databases (gnomAD no frequency). This variant has not been reported in the literature in individuals affected with CASR-related conditions. An algorithm developed to predict the effect of missense changes on protein structure and function (PolyPhen-2) suggests that this variant is likely to be disruptive. In summary, the available evidence is currently insufficient to determine the role of this variant in disease. Therefore, it has been classified as a Variant of Uncertain Significance.

Ambry Genetics
Classification: Uncertain significance for Nephrolithiasis/nephrocalcinosis. Last evaluated: 2023-10-16. Review status: criteria provided, single submitter. Criteria: Ambry Variant Classification Scheme 2023. Collection method: clinical testing. Allele origin: germline.
Comment: The p.E981K variant (also known as c.2941G>A), located in coding exon 6 of the CASR gene, results from a G to A substitution at nucleotide position 2941. The glutamic acid at codon 981 is replaced by lysine, an amino acid with similar properties. This amino acid position is conserved. In addition, this alteration is predicted to be deleterious by in silico analysis. Since supporting evidence is limited at this time, the clinical significance of this alteration remains unclear.